The following is an entry in ClinVar:

NM_022458.4(LMBR1):c.528C>G (p.Ala176=)

Gene: LMBR1 (limb development membrane protein 1; minus strand). Cytogenetic location: 7q36.3.
Variant type: single nucleotide variant.
Coding change: c.528C>G on transcript NM_022458.4 (MANE Select); coding-DNA position 528, C replaced by G.
Protein change: p.Ala176=; no amino-acid change (alanine 176 retained).
Molecular consequence: synonymous variant. On other transcripts: non-coding transcript variant (2).
Genome position (GRCh38, 1-based): chr7:156,763,691, G>C on the plus strand (C>G on the coding strand, the complement: LMBR1 is on the minus strand). VCF-style: chr7-156763691-G-C. GRCh37 (hg19) VCF-style: chr7-156556385-G-C.
Other names: c.528C>G, p.Ala176= (NM_001350953.2, NM_001363409.2, NM_001363410.2); c.249C>G, p.Ala83= (NM_001350954.2); c.72C>G, p.Ala24= (NM_001350955.2, NM_001350956.2, NM_001350958.2 and 1 more transcripts); c.159C>G, p.Ala53= (NM_001350957.2, NM_001363411.2); c.465C>G, p.Ala155= (NM_001363412.2).
Identifiers: ClinVar variation 283852 (VCV000283852.43), dbSNP rs138255184, ClinGen allele CA4588094.

ClinVar aggregate classification (germline): Benign/Likely benign. Review status: criteria provided, multiple submitters, no conflicts (2 of 4 stars). 6 submissions from 6 submitters: Benign (4); Likely benign (2). Last evaluated 2026-07-01.

Conditions:
Polydactyly of a triphalangeal thumb. Also called: POLYDACTYLY OF TRIPHALANGEAL THUMB; TRIPHALANGEAL THUMB-POLYDACTYLY SYNDROME; Polydactyly, preaxial type II. Identifiers: Orphanet 2439, Orphanet 2950, Orphanet 93336, MedGen C1868114, MONDO:0008270, OMIM 174500.

Allele frequency attached by ClinVar (database versions not stated): ESP Exome Variant Server 0.00677; TOPMed 0.00715; 1000 Genomes Project 0.00859; 1000 Genomes Project 30x 0.00968.
gnomAD v4.1: 11,249 of 1,591,438 alleles (0.71%); highest among the groups gnomAD compares: Middle Eastern, 3.9%; 93 homozygotes.

Submissions (6):

CeGaT Center for Human Genetics Tuebingen
Classification: Benign. Last evaluated: 2026-07-01. Review status: criteria provided, single submitter. Criteria: CeGaT Center For Human Genetics Tuebingen Variant Classification Criteria Version 2. Collection method: clinical testing. Allele origin: germline. Affected: yes. Observed: 6 variant alleles.
Comment: LMBR1: BP4, BP7, BS1, BS2

Labcorp Genetics (formerly Invitae), Labcorp
Classification: Benign. Last evaluated: 2026-01-15. Review status: criteria provided, single submitter. Criteria: Invitae Variant Classification Sherloc (09022015). Collection method: clinical testing. Allele origin: germline.

GeneDx
Classification: Likely benign. Last evaluated: 2021-05-22. Review status: criteria provided, single submitter. Criteria: GeneDx Variant Classification Process June 2021. Collection method: clinical testing. Allele origin: germline. Affected: yes.

Illumina Laboratory Services, Illumina
Classification: Benign for Polydactyly of a triphalangeal thumb. Last evaluated: 2018-01-12. Review status: criteria provided, single submitter. Criteria: ICSL Variant Classification Criteria 13 December 2019. Collection method: clinical testing. Allele origin: germline.
Comment: This variant was observed in the ICSL laboratory as part of a predisposition screen in an ostensibly healthy population. It had not been previously curated by ICSL or reported in the Human Gene Mutation Database (HGMD: prior to June 1st, 2018), and was therefore a candidate for classification through an automated scoring system. Utilizing variant allele frequency, disease prevalence and penetrance estimates, and inheritance mode, an automated score was calculated to assess if this variant is too frequent to cause the disease. Based on the score and internal cut-off values, a variant classified as benign is not then subjected to further curation. The score for this variant resulted in a classification of benign for this disease.

Eurofins Ntd Llc (ga)
Classification: Benign. Last evaluated: 2015-10-19. Review status: criteria provided, single submitter. Criteria: EGL Classification Definitions 2015. Collection method: clinical testing. Allele origin: germline. Observed: 1 variant allele, 1 heterozygote.

Breakthrough Genomics
Classification: Likely benign. Review status: criteria provided, single submitter. Criteria: ACMG Guidelines, 2015. Collection method: not provided. Allele origin: germline. Inheritance: Autosomal recessive inheritance. Affected: yes.